The following is an entry in ClinVar:

NM_000093.5(COL5A1):c.574G>A (p.Asp192Asn)

Gene: COL5A1 (collagen type V alpha 1 chain; plus strand). Cytogenetic location: 9q34.3.
Variant type: single nucleotide variant.
Coding change: c.574G>A on transcript NM_000093.5 (MANE Select); coding-DNA position 574, G replaced by A.
Protein change: p.Asp192Asn; replaces aspartic acid 192 with asparagine.
Molecular consequence: missense variant.
Genome position (GRCh38, 1-based): chr9:134,701,253, G>A. VCF-style: chr9-134701253-G-A. GRCh37 (hg19) VCF-style: chr9-137593099-G-A.
Other names: p.D192N:GAC>AAC; NM_000093.4(COL5A1):c.574G>A(p.Asp192Asn); NM_001278074.1(COL5A1):c.574G>A(p.Asp192Asn); c.574G>A, p.Asp192Asn (NM_001278074.1); short protein forms D192N.
Identifiers: ClinVar variation 136920 (VCV000136920.42), dbSNP rs138579182, ClinGen allele CA290336.

ClinVar aggregate classification (germline): Benign/Likely benign. Review status: criteria provided, multiple submitters, no conflicts (2 of 4 stars). 19 submissions from 18 submitters: Benign (11); Likely benign (4). 4 of the submissions do not count toward it. Last evaluated 2026-02-04.

Conditions:
Ehlers-Danlos syndrome, classic type, 1 (EDSCL1). Also called: Ehlers-Danlos syndrome, type 1; Ehlers-Danlos Syndrome, Classic Type, COL5A1-Related; EDS I; EHLERS-DANLOS SYNDROME, GRAVIS TYPE; EHLERS-DANLOS SYNDROME, SEVERE CLASSIC TYPE. Identifiers: MedGen C0268335, MONDO:0019567, OMIM 130000.
Fibromuscular dysplasia, multifocal. Identifiers: MedGen C5543412, MONDO:0859151, OMIM 619329.
Ehlers-Danlos syndrome (EDS). Identifiers: Orphanet 98249, MedGen C0013720, MONDO:0020066.
Ehlers-Danlos syndrome, classic type (cEDS). Identifiers: Orphanet 287, MedGen C4225429, MONDO:0007522.
Familial thoracic aortic aneurysm and aortic dissection (TAAD). Also called: Thoracic aortic aneurysms and dissections. Identifiers: Orphanet 91387, MedGen C4707243, MONDO:0019625.

Allele frequency attached by ClinVar (database versions not stated): 1000 Genomes Project 30x 0.00547; 1000 Genomes Project 0.00579; TOPMed 0.01248; ESP Exome Variant Server 0.01445; gnomAD exomes 0.01666; gnomAD 0.02227.
gnomAD v4.1: 31,265 of 1,613,818 alleles (1.9%); highest among the groups gnomAD compares: Non-Finnish European, 2.2%; 419 homozygotes.

Submissions (19):

Labcorp Genetics (formerly Invitae), Labcorp
Classification: Benign for Ehlers-Danlos syndrome, classic type, 1. Last evaluated: 2026-02-04. Review status: criteria provided, single submitter. Criteria: Invitae Variant Classification Sherloc (09022015). Collection method: clinical testing. Allele origin: germline.

ARUP Laboratories, Molecular Genetics and Genomics, ARUP Laboratories
Classification: Benign. Last evaluated: 2025-07-21. Review status: criteria provided, single submitter. Criteria: ARUP Molecular Germline Variant Investigation Process 2024. Collection method: clinical testing. Allele origin: germline.

Molecular Diagnostic Laboratory for Inherited Cardiovascular Disease, Montreal Heart Institute
Classification: Likely benign. Last evaluated: 2025-04-09. Review status: criteria provided, single submitter. Criteria: ACMG Guidelines, 2015. Collection method: clinical testing. Allele origin: germline. Affected: no.

Blueprint Genetics
Classification: Likely benign. Last evaluated: 2024-11-27. Review status: criteria provided, single submitter. Criteria: ACMG Guidelines, 2015. Collection method: clinical testing. Allele origin: germline.

Genome Diagnostics Laboratory, The Hospital for Sick Children
Classification: Benign for Ehlers-Danlos syndrome. Last evaluated: 2022-06-10. Review status: criteria provided, single submitter. Criteria: ACMG Guidelines, 2015. Collection method: clinical testing. Allele origin: germline.

Genome-Nilou Lab
Classification: Benign for Ehlers-Danlos syndrome, classic type, 1. Last evaluated: 2022-03-15. Review status: criteria provided, single submitter. Criteria: ACMG Guidelines, 2015. Collection method: clinical testing. Allele origin: germline. Affected: no.

Genome-Nilou Lab
Classification: Benign for Fibromuscular dysplasia, multifocal. Last evaluated: 2022-03-15. Review status: criteria provided, single submitter. Criteria: ACMG Guidelines, 2015. Collection method: clinical testing. Allele origin: germline. Affected: no.

SIB Swiss Institute of Bioinformatics
Classification: Benign for Ehlers-Danlos syndrome, classic type, 1. Last evaluated: 2018-05-31. Review status: criteria provided, single submitter. Criteria: ACMG Guidelines, 2015. Collection method: curation. Allele origin: unknown.
Comment: This variant is interpreted as a Benign - Stand Alone, for Ehlers-Danlos syndrome, classic type, 1, in Autosomal Dominant manner. The following ACMG Tag(s) were applied: BP4 => Multiple lines of computational evidence suggest no impact on gene or gene product (conservation, evolutionary, splicing impact, etc.). BP5 => Variant found in a case with an alternate molecular basis for disease. BA1 => Allele frequency is >1% in Exome Sequencing Project, 1000 Genomes Project, or Exome Aggregation Consortium. Allele frequency is >4% in European (Finnish).

Mayo Clinic Laboratories, Mayo Clinic
Classification: Benign. Last evaluated: 2018-02-14. Review status: criteria provided, single submitter. Criteria: ACMG Guidelines, 2015. Collection method: clinical testing. Allele origin: germline. Observed: 171 variant alleles.

Women's Health and Genetics/Laboratory Corporation of America, LabCorp
Classification: Benign. Last evaluated: 2017-03-10. Review status: criteria provided, single submitter. Criteria: LabCorp Variant Classification Summary - May 2015. Collection method: clinical testing. Allele origin: germline.
Comment: Variant summary: The COL5A1 c.574G>A (p.Asp192Asn) variant involves the alteration of a conserved nucleotide, resulting in a missense substitution. 4/4 in silico tools predict a benign outcome for this variant (SNPs&GO not captured due to low reliability index). This variant was found in 2009/119100 control chromosomes (28 homozygotes) at a frequency of 0.0168682, which is approximately 13495 times the estimated maximal expected allele frequency of a pathogenic COL5A1 variant (0.0000013), suggesting this variant is likely a benign polymorphism. In addition, multiple clinical diagnostic laboratories/reputable databases classified this variant as benign. To our knowledge, the variant of interest has it been evaluated for functional impact by in vivo/vitro studies. Taken together, this variant is classified as benign.

Center for Human Genetics, Inc
Classification: Likely benign for Ehlers-Danlos syndrome, classic type, 1. Last evaluated: 2016-11-01. Review status: criteria provided, single submitter. Criteria: ACMG Guidelines, 2015. Collection method: clinical testing. Allele origin: germline. Affected: yes.

Ambry Genetics
Classification: Benign for Familial thoracic aortic aneurysm and aortic dissection. Last evaluated: 2015-02-05. Review status: criteria provided, single submitter. Criteria: Ambry Variant Classification Scheme 2023. Collection method: clinical testing. Allele origin: germline.

GeneDx
Classification: Benign. Last evaluated: 2013-01-09. Review status: criteria provided, single submitter. Criteria: GeneDx Variant Classification (06012015). Collection method: clinical testing. Allele origin: germline. Affected: yes.
Comment: This variant is considered likely benign or benign based on one or more of the following criteria: it is a conservative change, it occurs at a poorly conserved position in the protein, it is predicted to be benign by multiple in silico algorithms, and/or has population frequency not consistent with disease.

Breakthrough Genomics
Classification: Likely benign. Review status: criteria provided, single submitter. Criteria: ACMG Guidelines, 2015. Collection method: not provided. Allele origin: germline. Inheritance: Autosomal dominant inheritance. Affected: yes.

PreventionGenetics, part of Exact Sciences
Classification: Benign. Review status: criteria provided, single submitter. Criteria: ACMG Guidelines, 2015. Collection method: clinical testing. Allele origin: germline.

Clinical Genetics DNA and cytogenetics Diagnostics Lab, Erasmus MC, Erasmus Medical Center
Classification: Benign. Review status: no assertion criteria provided. Collection method: clinical testing. Allele origin: germline. Affected: yes. Study: VKGL Data-share Consensus. Not counted in ClinVar's aggregate classification.

Genome Diagnostics Laboratory, Amsterdam University Medical Center
Classification: Benign. Review status: no assertion criteria provided. Collection method: clinical testing. Allele origin: germline. Affected: yes. Study: VKGL Data-share Consensus. Not counted in ClinVar's aggregate classification.

Genome Diagnostics Laboratory, University Medical Center Utrecht
Classification: Benign. Review status: no assertion criteria provided. Collection method: clinical testing. Allele origin: germline. Affected: yes. Study: VKGL Data-share Consensus. Not counted in ClinVar's aggregate classification.

Laboratory of Diagnostic Genome Analysis, Leiden University Medical Center (LUMC)
Classification: Benign. Review status: no assertion criteria provided. Collection method: clinical testing. Allele origin: germline. Affected: yes. Study: VKGL Data-share Consensus. Not counted in ClinVar's aggregate classification.